The following is an entry in ClinVar:

ClinVar aggregate classification (germline): Likely benign (0 of 4 stars; one submission).

Conditions:
SEMA3F-related disorder. Also called: SEMA3F-related condition.

gnomAD v4.1: 1 of 1,613,980 alleles (0.000062%); highest among the groups gnomAD compares: African/African-American, 0.0013%; no homozygotes.

Submission:

PreventionGenetics, part of Exact Sciences
Classification: Likely benign for SEMA3F-related condition. Last evaluated: 2023-04-21. Review status: no assertion criteria provided. Collection method: clinical testing. Allele origin: germline.
Comment: This variant is classified as likely benign based on ACMG/AMP sequence variant interpretation guidelines (Richards et al. 2015 PMID: 25741868, with internal and published modifications).

NM_004186.5(SEMA3F):c.1155G>A (p.Gly385=)

Gene: SEMA3F (semaphorin 3F; plus strand). Cytogenetic location: 3p21.31.
Variant type: single nucleotide variant.
Coding change: c.1155G>A on transcript NM_004186.5 (MANE Select); coding-DNA position 1155, G replaced by A.
Protein change: p.Gly385=; no amino-acid change (glycine 385 retained).
Molecular consequence: synonymous variant.
Genome position (GRCh38, 1-based): chr3:50,183,486, G>A. VCF-style: chr3-50183486-G-A. GRCh37 (hg19) VCF-style: chr3-50220919-G-A.
Other names: c.858G>A, p.Gly286= (NM_001318798.2); c.1062G>A, p.Gly354= (NM_001318800.2).
Identifiers: ClinVar variation 3356498 (VCV003356498.1).